The following is an entry in ClinVar:

NM_016122.3(CEP83):c.232C>A (p.Gln78Lys)

Gene: CEP83 (centrosomal protein 83; minus strand). Cytogenetic location: 12q22.
Variant type: single nucleotide variant.
Coding change: c.232C>A on transcript NM_016122.3 (MANE Select); coding-DNA position 232, C replaced by A.
Protein change: p.Gln78Lys; replaces glutamine 78 with lysine.
Molecular consequence: missense variant. On other transcripts: 5 prime UTR variant (6), non-coding transcript variant (3).
Genome position (GRCh38, 1-based): chr12:94,411,789, G>T on the plus strand (C>A on the coding strand, the complement: CEP83 is on the minus strand). VCF-style: chr12-94411789-G-T. GRCh37 (hg19) VCF-style: chr12-94805565-G-T.
Other names: c.232C>A, p.Gln78Lys (NM_001042399.2, NM_001346457.2, NM_001346460.2 and 4 more transcripts); c.-81C>A (NM_001346458.2, NM_001346459.2, NM_001346462.2 and 3 more transcripts); c.232C>A (NM_016122.2); short protein forms Q78K.
Identifiers: ClinVar variation 1502736 (VCV001502736.7), dbSNP rs372337825, ClinGen allele CA6722005.

ClinVar aggregate classification (germline): Uncertain significance. Review status: criteria provided, multiple submitters, no conflicts (2 of 4 stars). 3 submissions from 3 submitters: Uncertain significance (3). Last evaluated 2024-12-25.

Conditions:
Inborn genetic diseases. Identifiers: MedGen C0950123, MeSH D030342.
Nephronophthisis 18 (NPHP18). Identifiers: Orphanet 655, MedGen C3890591, MONDO:0014374, OMIM 615862.

Allele frequency attached by ClinVar (database versions not stated): ESP Exome Variant Server 0.00017.
gnomAD v4.1: 63 of 1,612,350 alleles (0.0039%); highest among the groups gnomAD compares: Admixed American, 0.01%; no homozygotes.

Submissions (3):

Ambry Genetics
Classification: Uncertain significance for Inborn genetic diseases. Last evaluated: 2024-12-25. Review status: criteria provided, single submitter. Criteria: Ambry Variant Classification Scheme 2023. Collection method: clinical testing. Allele origin: germline.

Labcorp Genetics (formerly Invitae), Labcorp
Classification: Uncertain significance for Nephronophthisis 18. Last evaluated: 2022-08-22. Review status: criteria provided, single submitter. Criteria: Invitae Variant Classification Sherloc (09022015). Collection method: clinical testing. Allele origin: germline.
Comment: This sequence change replaces glutamine, which is neutral and polar, with lysine, which is basic and polar, at codon 78 of the CEP83 protein (p.Gln78Lys). This variant is present in population databases (rs372337825, gnomAD 0.01%). This variant has not been reported in the literature in individuals affected with CEP83-related conditions. ClinVar contains an entry for this variant (Variation ID: 1502736). Algorithms developed to predict the effect of missense changes on protein structure and function are either unavailable or do not agree on the potential impact of this missense change (SIFT: "Not Available"; PolyPhen-2: "Probably Damaging"; Align-GVGD: "Not Available"). In summary, the available evidence is currently insufficient to determine the role of this variant in disease. Therefore, it has been classified as a Variant of Uncertain Significance.

Blueprint Genetics
Classification: Uncertain significance. Last evaluated: 2022-07-27. Review status: criteria provided, single submitter. Criteria: ACMG Guidelines, 2015. Collection method: clinical testing. Allele origin: germline.